The following is an entry in ClinVar:

NM_003640.5(ELP1):c.982dup (p.Tyr328fs)

Gene: ELP1 (elongator acetyltransferase complex subunit 1; minus strand). Cytogenetic location: 9q31.3.
Variant type: Duplication.
Coding change: c.982dup on transcript NM_003640.5 (MANE Select); coding-DNA position 982, one base duplicated (T; older notation c.982dupT).
Protein change: p.Tyr328fs; shifts the reading frame from tyrosine 328.
Molecular consequence: frameshift variant. On other transcripts: 5 prime UTR variant (1).
Genome position (GRCh38, 1-based): chr9:108,912,471, A duplicated on the plus strand (T on the coding strand, the reverse complement: ELP1 is on the minus strand). VCF-style (leftmost placement, unchanged base first): chr9-108912470-T-TA. GRCh37 (hg19) VCF-style: chr9-111674750-T-TA.
Other names: c.640dup, p.Tyr214fs (NM_001318360.2); c.-66dup (NM_001330749.2); short protein forms Y214fs, Y328fs.
Identifiers: ClinVar variation 1075805 (VCV001075805.7), dbSNP rs2132017050, ClinGen allele CA2499219557.

ClinVar aggregate classification (germline): Pathogenic (1 of 4 stars; one submission).

Submission:

Labcorp Genetics (formerly Invitae), Labcorp
Classification: Pathogenic. Last evaluated: 2020-02-04. Review status: criteria provided, single submitter. Criteria: Invitae Variant Classification Sherloc (09022015). Collection method: clinical testing. Allele origin: germline.
Comment: For these reasons, this variant has been classified as Pathogenic. Loss-of-function variants in ELP1 are known to be pathogenic (PMID: 18303054, 24173031). This variant has not been reported in the literature in individuals with ELP1-related conditions. This variant is not present in population databases (ExAC no frequency). This sequence change creates a premature translational stop signal (p.Tyr328Leufs*45) in the ELP1 gene. It is expected to result in an absent or disrupted protein product.

Literature cited by the submitters: PubMed 18303054; PubMed 24173031.